The following is an entry in ClinVar:

NM_007294.4(BRCA1):c.441+1173dup

Gene: BRCA1 (BRCA1 DNA repair associated; minus strand). Cytogenetic location: 17q21.31.
Variant type: Duplication.
Coding change: c.441+1173dup on transcript NM_007294.4 (MANE Select); 1173 bases into the intron after coding-DNA position 441, one base duplicated (A; older notation c.441+1173dupA).
Molecular consequence: intron variant.
Genome position (GRCh38, 1-based): chr17:43,102,949, T duplicated on the plus strand (A on the coding strand, the reverse complement: BRCA1 is on the minus strand); the first of 14 consecutive T bases (chr17:43,102,949-43,102,962); duplicating any one gives the same sequence. VCF-style (leftmost placement, unchanged base first): chr17-43102948-C-CT. GRCh37 (hg19) VCF-style: chr17-41254965-C-CT.
Other names: c.300+1173dup (NM_001408458.1, NM_001407931.1, NM_001407747.1 and 99 more transcripts); c.-218-8089dup (NM_001407967.1, NM_001407966.1); c.60+1173dup (NM_001407959.1, NM_001407962.1, NM_001408512.1 and 4 more transcripts); c.231+1173dup (NM_001407885.1, NM_001407886.1, NM_001407898.1 and 58 more transcripts); c.441+1173dup (NM_001407686.1, NM_001408397.1, NM_001407632.1 and 164 more transcripts); c.309+1173dup (NM_001408451.1); c.363+1173dup (NM_001408475.1, NM_001407875.1, NM_001407659.1 and 21 more transcripts); c.432+1173dup (NM_001408408.1, NM_001407647.1, NM_001407646.1).
Identifiers: ClinVar variation 264845 (VCV000264845.2), dbSNP rs36085989, ClinGen allele CA10588238.

ClinVar aggregate classification (germline): Benign (3 of 4 stars; one submission).

Conditions:
Breast-ovarian cancer, familial, susceptibility to, 1 (BROVCA1). Also called: BRCA1 Hereditary Breast and Ovarian Cancer; OVARIAN CANCER, SUSCEPTIBILITY TO. Identifiers: Orphanet 145, MedGen C2676676, MONDO:0011450, OMIM 604370. Disease mechanism: loss of function.

Submission:

Evidence-based Network for the Interpretation of Germline Mutant Alleles (ENIGMA)
Classification: Benign for Breast-ovarian cancer, familial, susceptibility to, 1. Last evaluated: 2016-09-28. Review status: reviewed by expert panel. Criteria: ENIGMA BRCA1/2 Classification Criteria (2015). Collection method: curation. Allele origin: germline.
Comment: Class 1 not pathogenic based on frequency >1% in an outbred sampleset. Frequency 0.5169 (European), 0.1528 (African), 0.4164 (Admixed American/Latino), 0.1935 (East Asian), 0.5706 (South Asian), derived from 1000 genomes (2013-05-02).